The following is an entry in ClinVar:

NM_000038.6(APC):c.6446A>G (p.His2149Arg)

Gene: APC (APC regulator of Wnt signaling pathway; plus strand). Cytogenetic location: 5q22.2.
Variant type: single nucleotide variant.
Coding change: c.6446A>G on transcript NM_000038.6 (MANE Select); coding-DNA position 6446, A replaced by G.
Protein change: p.His2149Arg; replaces histidine 2149 with arginine.
Molecular consequence: missense variant.
Genome position (GRCh38, 1-based): chr5:112,842,040, A>G. VCF-style: chr5-112842040-A-G. GRCh37 (hg19) VCF-style: chr5-112177737-A-G.
Other names: c.6446A>G, p.His2149Arg (NM_001127510.3, NM_001354895.2); c.6392A>G, p.His2131Arg (NM_001127511.3); c.6500A>G, p.His2167Arg (NM_001354896.2); c.6476A>G, p.His2159Arg (NM_001354897.2); c.6371A>G, p.His2124Arg (NM_001354898.2); c.6362A>G, p.His2121Arg (NM_001354899.2); c.6323A>G, p.His2108Arg (NM_001354900.2); c.6269A>G, p.His2090Arg (NM_001354901.2); and 5 more; short protein forms H2131R, H2149R, H2058R, H2090R, H1866R, H2023R, H2124R, H2159R.
Identifiers: ClinVar variation 485118 (VCV000485118.18), dbSNP rs749230730, ClinGen allele CA16035435.

ClinVar aggregate classification (germline): Uncertain significance. Review status: criteria provided, multiple submitters, no conflicts (2 of 4 stars). 3 submissions from 3 submitters: Uncertain significance (3). Last evaluated 2025-06-08.

Conditions:
Familial adenomatous polyposis 1 (FAP1). Also called: FAMILIAL ADENOMATOUS POLYPOSIS 1, ATTENUATED; POLYPOSIS, ADENOMATOUS INTESTINAL. Identifiers: MedGen C2713442, MONDO:0021056, OMIM 175100. Disease mechanism: loss of function.
Hereditary cancer-predisposing syndrome. Also called: Neoplastic Syndromes, Hereditary; Tumor predisposition; Hereditary Cancer Syndrome; Hereditary neoplastic syndrome. Identifiers: Orphanet 140162, MedGen C0027672, MeSH D009386, MONDO:0015356.

Submissions (3):

Ambry Genetics
Classification: Uncertain significance for Hereditary cancer-predisposing syndrome. Last evaluated: 2025-06-08. Review status: criteria provided, single submitter. Criteria: Ambry Variant Classification Scheme 2023. Collection method: clinical testing. Allele origin: germline.
Comment: The p.H2149R variant (also known as c.6446A>G), located in coding exon 15 of the APC gene, results from an A to G substitution at nucleotide position 6446. The histidine at codon 2149 is replaced by arginine, an amino acid with highly similar properties. This amino acid position is well conserved in available vertebrate species. In addition, in silico predictors for this gene do not accurately predict pathogenicity. Since supporting evidence is limited at this time, the clinical significance of this alteration remains unclear.

GeneDx
Classification: Uncertain significance. Last evaluated: 2024-02-16. Review status: criteria provided, single submitter. Criteria: GeneDx Variant Classification Process June 2021. Collection method: clinical testing. Allele origin: germline. Affected: yes.
Comment: Not observed at significant frequency in large population cohorts (gnomAD); In silico analysis supports that this missense variant does not alter protein structure/function; Has not been previously published as pathogenic or benign to our knowledge

Labcorp Genetics (formerly Invitae), Labcorp
Classification: Uncertain significance for Familial adenomatous polyposis 1. Last evaluated: 2023-11-24. Review status: criteria provided, single submitter. Criteria: Invitae Variant Classification Sherloc (09022015). Collection method: clinical testing. Allele origin: germline.
Comment: This sequence change replaces histidine, which is basic and polar, with arginine, which is basic and polar, at codon 2149 of the APC protein (p.His2149Arg). This variant is not present in population databases (gnomAD no frequency). This variant has not been reported in the literature in individuals affected with APC-related conditions. ClinVar contains an entry for this variant (Variation ID: 485118). Advanced modeling of protein sequence and biophysical properties (such as structural, functional, and spatial information, amino acid conservation, physicochemical variation, residue mobility, and thermodynamic stability) performed at Invitae indicates that this missense variant is not expected to disrupt APC protein function with a negative predictive value of 95%. In summary, the available evidence is currently insufficient to determine the role of this variant in disease. Therefore, it has been classified as a Variant of Uncertain Significance.